The following is an entry in ClinVar:

NM_012205.3(HAAO):c.703G>C (p.Gly235Arg)

Gene: HAAO (3-hydroxyanthranilate 3,4-dioxygenase; minus strand). Cytogenetic location: 2p21.
Variant type: single nucleotide variant.
Coding change: c.703G>C on transcript NM_012205.3 (MANE Select); coding-DNA position 703, G replaced by C.
Protein change: p.Gly235Arg; replaces glycine 235 with arginine.
Molecular consequence: missense variant.
Genome position (GRCh38, 1-based): chr2:42,767,674, C>G on the plus strand (G>C on the coding strand, the complement: HAAO is on the minus strand). VCF-style: chr2-42767674-C-G. GRCh37 (hg19) VCF-style: chr2-42994814-C-G.
Other names: short protein forms G235R.
Identifiers: ClinVar variation 3044237 (VCV003044237.3), dbSNP rs34053133, ClinGen allele CA1630885.

ClinVar aggregate classification (germline): Uncertain significance. Review status: criteria provided, single submitter (1 of 4 stars). 2 submissions from 2 submitters: Uncertain significance (1). 1 of the submissions does not count toward it. Last evaluated 2022-05-27.

Conditions:
HAAO-related disorder. Also called: HAAO-related condition.

Allele frequency attached by ClinVar (database versions not stated): 1000 Genomes Project 30x 0.00281; 1000 Genomes Project 0.00319; ESP Exome Variant Server 0.00394; TOPMed 0.00401; ExAC 0.00549.
gnomAD v4.1: 7,144 of 1,568,904 alleles (0.46%); highest among the groups gnomAD compares: Admixed American, 0.58%; 15 homozygotes.

Submissions (2):

Clinical Genetics Laboratory, Skane University Hospital Lund
Classification: Uncertain significance. Last evaluated: 2022-05-27. Review status: criteria provided, single submitter. Criteria: ACMG Guidelines, 2015. Collection method: clinical testing. Allele origin: germline. Affected: yes.

PreventionGenetics, part of Exact Sciences
Classification: Benign for HAAO-related condition. Last evaluated: 2019-06-08. Review status: no assertion criteria provided. Collection method: clinical testing. Allele origin: germline. Not counted in ClinVar's aggregate classification.
Comment: This variant is classified as benign based on ACMG/AMP sequence variant interpretation guidelines (Richards et al. 2015 PMID: 25741868, with internal and published modifications).